The following is an entry in ClinVar:

ClinVar aggregate classification (germline): Uncertain significance (1 of 4 stars; one submission).

Conditions:
Sclerosteosis 2 (SOST2). Identifiers: Orphanet 3152, MedGen C3280402, MONDO:0013679, OMIM 614305.
Cenani-Lenz syndactyly syndrome. Also called: CENANI SYNDACTYLISM; SYNDACTYLY, TYPE VII. Identifiers: Orphanet 3258, MedGen C1859309, MONDO:0008931, OMIM 212780.
Congenital myasthenic syndrome 17. Identifiers: Orphanet 590, MedGen C4225377, MONDO:0014578, OMIM 616304.

Allele frequency attached by ClinVar (database versions not stated): gnomAD exomes below 0.00001.
gnomAD v4.1: 1 of 1,614,150 alleles (0.000062%); highest among the groups gnomAD compares: African/African-American, 0.0013%; no homozygotes.

Submission:

Labcorp Genetics (formerly Invitae), Labcorp
Classification: Uncertain significance for Cenani-Lenz syndactyly syndrome; Sclerosteosis 2; Congenital myasthenic syndrome 17. Last evaluated: 2022-08-22. Review status: criteria provided, single submitter. Criteria: Invitae Variant Classification Sherloc (09022015). Collection method: clinical testing. Allele origin: germline.
Comment: This sequence change falls in intron 24 of the LRP4 gene. It does not directly change the encoded amino acid sequence of the LRP4 protein. It affects a nucleotide within the consensus splice site. This variant is present in population databases (no rsID available, gnomAD 0.007%). This variant has not been reported in the literature in individuals affected with LRP4-related conditions. Variants that disrupt the consensus splice site are a relatively common cause of aberrant splicing (PMID: 17576681, 9536098). Algorithms developed to predict the effect of sequence changes on RNA splicing suggest that this variant is not likely to affect RNA splicing. In summary, the available evidence is currently insufficient to determine the role of this variant in disease. Therefore, it has been classified as a Variant of Uncertain Significance.

Literature cited by the submitters: PubMed 17576681; PubMed 9536098.

NM_002334.4(LRP4):c.3364+3G>A

Gene: LRP4 (LDL receptor related protein 4; minus strand). Cytogenetic location: 11p11.2.
Variant type: single nucleotide variant.
Coding change: c.3364+3G>A on transcript NM_002334.4 (MANE Select); 3 bases into the intron after coding-DNA position 3364, G replaced by A.
Molecular consequence: intron variant.
Genome position (GRCh38, 1-based): chr11:46,876,741, C>T on the plus strand (G>A on the coding strand, the complement: LRP4 is on the minus strand). VCF-style: chr11-46876741-C-T. GRCh37 (hg19) VCF-style: chr11-46898292-C-T.
Identifiers: ClinVar variation 2018134 (VCV002018134.1), dbSNP rs1205105447, ClinGen allele CA599372858.